The following is an entry in ClinVar:

NM_000379.4(XDH):c.1299G>T (p.Lys433Asn)

Gene: XDH (xanthine dehydrogenase; minus strand). Cytogenetic location: 2p23.1.
Variant type: single nucleotide variant.
Coding change: c.1299G>T on transcript NM_000379.4 (MANE Select); coding-DNA position 1299, G replaced by T.
Protein change: p.Lys433Asn; replaces lysine 433 with asparagine.
Molecular consequence: missense variant.
Genome position (GRCh38, 1-based): chr2:31,377,181, C>A on the plus strand (G>T on the coding strand, the complement: XDH is on the minus strand). VCF-style: chr2-31377181-C-A. GRCh37 (hg19) VCF-style: chr2-31600047-C-A.
Other names: short protein forms K433N.
Identifiers: ClinVar variation 1991903 (VCV001991903.5), dbSNP rs370440638, ClinGen allele CA1599272.

ClinVar aggregate classification (germline): Uncertain significance. Review status: criteria provided, multiple submitters, no conflicts (2 of 4 stars). 2 submissions from 2 submitters: Uncertain significance (2). Last evaluated 2022-06-15.

Conditions:
Xanthinuria type II. Also called: Xanthine dehydrogenase and aldehyde oxidase combined deficiency of; XDH and AOX dual deficiency. Identifiers: Orphanet 3467, Orphanet 93602, MedGen C1863688, MONDO:0011346, OMIM 603592.

Allele frequency attached by ClinVar (database versions not stated): TOPMed below 0.00001; gnomAD 0.00001; ExAC 0.00006; ESP Exome Variant Server 0.00008.

Submissions (2):

Labcorp Genetics (formerly Invitae), Labcorp
Classification: Uncertain significance for Xanthinuria type II. Last evaluated: 2022-06-15. Review status: criteria provided, single submitter. Criteria: Invitae Variant Classification Sherloc (09022015). Collection method: clinical testing. Allele origin: germline.
Comment: In summary, the available evidence is currently insufficient to determine the role of this variant in disease. Therefore, it has been classified as a Variant of Uncertain Significance. This sequence change replaces lysine, which is basic and polar, with asparagine, which is neutral and polar, at codon 433 of the XDH protein (p.Lys433Asn). This variant is present in population databases (rs370440638, gnomAD 0.03%). This variant has not been reported in the literature in individuals affected with XDH-related conditions. Algorithms developed to predict the effect of missense changes on protein structure and function (SIFT, PolyPhen-2, Align-GVGD) all suggest that this variant is likely to be tolerated. Algorithms developed to predict the effect of sequence changes on RNA splicing suggest that this variant may disrupt the consensus splice site.

Blueprint Genetics
Classification: Uncertain significance. Last evaluated: 2022-03-25. Review status: criteria provided, single submitter. Criteria: ACMG Guidelines, 2015. Collection method: clinical testing. Allele origin: germline.